The following is an entry in ClinVar:

ClinVar aggregate classification (germline): Uncertain significance. Review status: criteria provided, multiple submitters, no conflicts (2 of 4 stars). 3 submissions from 3 submitters: Uncertain significance (3). Last evaluated 2023-01-18.

Conditions:
MADD-related disorder. Also called: MADD-Related Disorders; MADD-related condition.
Neurodevelopmental disorder with dysmorphic facies, impaired speech, and hypotonia. Identifiers: MedGen C5436585, MONDO:0033562, OMIM 619005.
Deeah syndrome. Also called: DEVELOPMENTAL DELAY WITH ENDOCRINE, EXOCRINE, AUTONOMIC, AND HEMATOLOGIC ABNORMALITIES. Identifiers: Orphanet 686495, MedGen C5436579, MONDO:0033561, OMIM 619004.

Allele frequency attached by ClinVar (database versions not stated): gnomAD 0.00001; 1000 Genomes Project 30x 0.00016; 1000 Genomes Project 0.00020.
gnomAD v4.1: 38 of 1,614,094 alleles (0.0024%); highest among the groups gnomAD compares: South Asian, 0.041%; no homozygotes.

Submissions (3):

PreventionGenetics, part of Exact Sciences
Classification: Uncertain significance for MADD-related condition. Last evaluated: 2023-01-18. Review status: criteria provided, single submitter. Criteria: ACMG Guidelines, 2015. Collection method: clinical testing. Allele origin: germline.
Comment: The MADD c.1943G>T variant is predicted to result in the amino acid substitution p.Cys648Phe. To our knowledge, this variant has not been reported in the literature. This variant is reported in 0.029% of alleles in individuals of South Asian descent in gnomAD. At this time, the clinical significance of this variant is uncertain due to the absence of conclusive functional and genetic evidence.

New York Genome Center
Classification: Uncertain significance for Neurodevelopmental disorder with dysmorphic facies, impaired speech, and hypotonia; Deeah syndrome. Last evaluated: 2022-02-02. Review status: criteria provided, single submitter. Criteria: NYGC Assertion Criteria 2020. Collection method: clinical testing. Allele origin: inherited. Observed: 1 compound heterozygote. Study: CSER-NYCKidSeq.
Comment: The inherited heterozygous missense variant c.1943G>T (p.Cys648Phe) identified in the MADD gene has not been reported in affected individuals in the literature. The variant has 0.000006571 allele frequency in the gnomAD (v3.1.2) database (1 out of 152194 heterozygous alleles, no homozygotes) and 0.00003579 allele frequency in the gnomAD (v2.1.1) database (9 out of 251496 heterozygous alleles, no homozygotes) suggesting it is not a common benign variant in the populations represented in that database. This variant affects a moderately conserved residue (Cys648) of the MADD gene and multiple in silico tools provide conflicting predictions about the potential pathogenicity of this variant (CADD score = 29.3, REVEL score = 0.269). Due to the lack of compelling evidence for its pathogenicity, the heterozygous c.1943G>T (p.Cys648Phe) missense variant identified in the MADD gene is reported as a Variant of Uncertain Significance.

Neuberg Centre For Genomic Medicine, NCGM
Classification: Uncertain significance for Neurodevelopmental disorder with dysmorphic facies, impaired speech, and hypotonia. Review status: criteria provided, single submitter. Criteria: ACMG Guidelines, 2015. Collection method: clinical testing. Allele origin: germline. Inheritance: Autosomal recessive inheritance. Affected: yes.
Comment: The missense variant c.1943G>T (p.Cys648Phe) in the MADD gene has not been reported previously as a pathogenic variant nor as a benign variant, to our knowledge. This variant is reported with the allele frequency (0.003%) in the gnomAD Exomes. This variant has been reported to the ClinVar database as Uncertain Significance. However, no details are available for independent assessment. The amino acid Cys at position 648 is changed to a Phe changing protein sequence and it might alter its composition and physico-chemical properties. Multiple lines of computational evidence (Polyphen - Damaging, SIFT - Damaging and MutationTaster - Disease causing) predict a damaging effect on protein structure and function for this variant. The amino acid change p.Cys648Phe in MADD is predicted as conserved by GERP++ and PhyloP across 100 vertebrates. For these reasons, this variant has been classified as Uncertain Significance.

NM_001376571.1(MADD):c.1943G>T (p.Cys648Phe)

Gene: MADD (MAP kinase activating death domain; plus strand). Cytogenetic location: 11p11.2.
Variant type: single nucleotide variant.
Coding change: c.1943G>T on transcript NM_001376571.1 (MANE Select); coding-DNA position 1943, G replaced by T.
Protein change: p.Cys648Phe; replaces cysteine 648 with phenylalanine.
Molecular consequence: missense variant. On other transcripts: non-coding transcript variant (8).
Genome position (GRCh38, 1-based): chr11:47,284,258, G>T. VCF-style: chr11-47284258-G-T. GRCh37 (hg19) VCF-style: chr11-47305809-G-T.
Other names: c.1943G>T, p.Cys648Phe (NM_001376616.1, NM_001376617.1, NM_001376618.1 and 80 more transcripts); c.1739G>T, p.Cys580Phe (NM_001376620.1, NM_001376635.1, NM_001376654.1 and 9 more transcripts); c.1277G>T, p.Cys426Phe (NM_001376663.1); short protein forms C426F, C580F, C648F.
Identifiers: ClinVar variation 1701714 (VCV001701714.7), dbSNP rs540783175, ClinGen allele CA5974277.